The following is an entry in ClinVar:

ClinVar aggregate classification (germline): Uncertain significance (1 of 4 stars; one submission).

gnomAD v4.1: 6 of 1,611,734 alleles (0.00037%); highest among the groups gnomAD compares: East Asian, 0.0022%; no homozygotes.

Submission:

GeneDx
Classification: Uncertain significance. Last evaluated: 2025-06-18. Review status: criteria provided, single submitter. Criteria: GeneDx Variant Classification Process June 2021. Collection method: clinical testing. Allele origin: germline. Affected: yes.
Comment: Not observed at significant frequency in large population cohorts (gnomAD); In silico analysis supports that this missense variant has a deleterious effect on protein structure/function; Has not been previously published as pathogenic or benign to our knowledge

NM_001378615.1(CC2D2A):c.4751A>G (p.His1584Arg)

Genes: CC2D2A (coiled-coil and C2 domain containing 2A; plus strand), FBXL5 (F-box and leucine rich repeat protein 5; minus strand). Cytogenetic location: 4p15.32.
Variant type: single nucleotide variant.
Coding change: c.4751A>G on transcript NM_001378615.1 (MANE Select); coding-DNA position 4751, A replaced by G.
Protein change: p.His1584Arg; replaces histidine 1584 with arginine.
Molecular consequence: missense variant.
Genome position (GRCh38, 1-based): chr4:15,601,313, A>G. VCF-style: chr4-15601313-A-G. GRCh37 (hg19) VCF-style: chr4-15602936-A-G.
Other names: c.4751A>G, p.His1584Arg (NM_001080522.2); c.4604A>G, p.His1535Arg (NM_001378617.1); short protein forms H1535R, H1584R.
Identifiers: ClinVar variation 4538967 (VCV004538967.1).